The following is an entry in ClinVar:

ClinVar aggregate classification (germline): Uncertain significance (1 of 4 stars; one submission).

gnomAD v4.1: 1 of 1,614,092 alleles (0.000062%); highest among the groups gnomAD compares: Non-Finnish European, 0.000085%; no homozygotes.

Submission:

Labcorp Genetics (formerly Invitae), Labcorp
Classification: Uncertain significance. Last evaluated: 2024-09-09. Review status: criteria provided, single submitter. Criteria: Invitae Variant Classification Sherloc (09022015). Collection method: clinical testing. Allele origin: germline.
Comment: This sequence change replaces histidine, which is basic and polar, with asparagine, which is neutral and polar, at codon 243 of the PDZD7 protein (p.His243Asn). This variant is not present in population databases (gnomAD no frequency). This variant has not been reported in the literature in individuals affected with PDZD7-related conditions. ClinVar contains an entry for this variant (Variation ID: 1520655). Invitae Evidence Modeling of protein sequence and biophysical properties (such as structural, functional, and spatial information, amino acid conservation, physicochemical variation, residue mobility, and thermodynamic stability) indicates that this missense variant is not expected to disrupt PDZD7 protein function with a negative predictive value of 80%. In summary, the available evidence is currently insufficient to determine the role of this variant in disease. Therefore, it has been classified as a Variant of Uncertain Significance.

NM_001195263.2(PDZD7):c.727C>A (p.His243Asn)

Gene: PDZD7 (PDZ domain containing 7; minus strand). Cytogenetic location: 10q24.31.
Variant type: single nucleotide variant.
Coding change: c.727C>A on transcript NM_001195263.2 (MANE Select); coding-DNA position 727, C replaced by A.
Protein change: p.His243Asn; replaces histidine 243 with asparagine.
Molecular consequence: missense variant.
Genome position (GRCh38, 1-based): chr10:101,021,938, G>T on the plus strand (C>A on the coding strand, the complement: PDZD7 is on the minus strand). VCF-style: chr10-101021938-G-T. GRCh37 (hg19) VCF-style: chr10-102781695-G-T.
Other names: c.727C>A, p.His243Asn (NM_001351044.2, NM_024895.5); short protein forms H243N.
Identifiers: ClinVar variation 1520655 (VCV001520655.5), dbSNP rs561472174, ClinGen allele CA378229948.